The following is an entry in ClinVar:

NM_001206927.2(DNAH8):c.2919G>A (p.Trp973Ter)

Gene: DNAH8 (dynein axonemal heavy chain 8; plus strand). Cytogenetic location: 6p21.2.
Variant type: single nucleotide variant.
Coding change: c.2919G>A on transcript NM_001206927.2 (MANE Select); coding-DNA position 2919, G replaced by A.
Protein change: p.Trp973Ter; replaces tryptophan 973 with a stop codon.
Molecular consequence: nonsense.
Genome position (GRCh38, 1-based): chr6:38,803,196, G>A. VCF-style: chr6-38803196-G-A. GRCh37 (hg19) VCF-style: chr6-38770972-G-A.
Other names: c.2268G>A, p.Trp756Ter (NM_001371.4); short protein forms W756*, W973*.
Identifiers: ClinVar variation 1075526 (VCV001075526.8), dbSNP rs767180208, ClinGen allele CA3788672.

ClinVar aggregate classification (germline): Pathogenic/Likely pathogenic. Review status: criteria provided, multiple submitters, no conflicts (2 of 4 stars). 2 submissions from 2 submitters: Pathogenic (1); Likely pathogenic (1). Last evaluated 2025-11-27.

Conditions:
DNAH8-related disorders.
Primary ciliary dyskinesia. Also called: Ciliary dyskinesia. Identifiers: Orphanet 244, MedGen C0008780, MONDO:0016575, HP:0012265.

Allele frequency attached by ClinVar (database versions not stated): gnomAD exomes below 0.00001 and 0.00007; ExAC 0.00001; TOPMed 0.00001; gnomAD 0.00002.
gnomAD v4.1: 97 of 1,599,350 alleles (0.0061%); highest among the groups gnomAD compares: Non-Finnish European, 0.0082%; no homozygotes.

Submissions (2):

Labcorp Genetics (formerly Invitae), Labcorp
Classification: Pathogenic for Primary ciliary dyskinesia. Last evaluated: 2025-11-27. Review status: criteria provided, single submitter. Criteria: Invitae Variant Classification Sherloc (09022015). Collection method: clinical testing. Allele origin: germline.
Comment: This sequence change creates a premature translational stop signal (p.Trp973*) in the DNAH8 gene. It is expected to result in an absent or disrupted protein product. Loss-of-function variants in DNAH8 are known to be pathogenic (PMID: 24307375, 32619401, 32681648). This variant is present in population databases (rs767180208, gnomAD 0.0009%). This variant has not been reported in the literature in individuals affected with DNAH8-related conditions. ClinVar contains an entry for this variant (Variation ID: 1075526). For these reasons, this variant has been classified as Pathogenic.

Blueprint Genetics
Classification: Likely pathogenic for DNAH8-related disorders. Last evaluated: 2022-04-12. Review status: criteria provided, single submitter. Criteria: ACMG Guidelines, 2015. Collection method: clinical testing. Allele origin: germline. Affected: yes. Observed: 1 variant allele.

Literature cited by the submitters: PubMed 24307375 (cited by Labcorp Genetics (formerly Invitae), Labcorp); PubMed 32619401 (cited by Labcorp Genetics (formerly Invitae), Labcorp); PubMed 32681648 (cited by Labcorp Genetics (formerly Invitae), Labcorp).